The following is an entry in ClinVar:

ClinVar aggregate classification (germline): Uncertain significance (1 of 4 stars; one submission).

Allele frequency attached by ClinVar (database versions not stated): gnomAD exomes below 0.00001.
gnomAD v4.1: 3 of 1,410,612 alleles (0.00021%); highest among the groups gnomAD compares: Non-Finnish European, 0.00027%; no homozygotes.

Submission:

Labcorp Genetics (formerly Invitae), Labcorp
Classification: Uncertain significance. Last evaluated: 2023-12-07. Review status: criteria provided, single submitter. Criteria: Invitae Variant Classification Sherloc (09022015). Collection method: clinical testing. Allele origin: germline.
Comment: This sequence change replaces phenylalanine, which is neutral and non-polar, with cysteine, which is neutral and slightly polar, at codon 13 of the TTC19 protein (p.Phe13Cys). This variant is not present in population databases (gnomAD no frequency). This variant has not been reported in the literature in individuals affected with TTC19-related conditions. ClinVar contains an entry for this variant (Variation ID: 2042218). Experimental studies and prediction algorithms are not available or were not evaluated, and the functional significance of this variant is currently unknown. In summary, the available evidence is currently insufficient to determine the role of this variant in disease. Therefore, it has been classified as a Variant of Uncertain Significance.

NM_017775.4(TTC19):c.38T>G (p.Phe13Cys)

Genes: TTC19 (tetratricopeptide repeat domain 19; plus strand), LOC130060311 (ATAC-STARR-seq lymphoblastoid silent region 8214; plus strand). Cytogenetic location: 17p12.
Variant type: single nucleotide variant.
Coding change: c.38T>G on transcript NM_017775.4 (MANE Select); coding-DNA position 38, T replaced by G.
Protein change: p.Phe13Cys; replaces phenylalanine 13 with cysteine.
Molecular consequence: missense variant. On other transcripts: 5 prime UTR variant (1).
Genome position (GRCh38, 1-based): chr17:15,999,886, T>G. VCF-style: chr17-15999886-T-G. GRCh37 (hg19) VCF-style: chr17-15903200-T-G.
Other names: c.-421T>G (NM_001271420.2); short protein forms F13C.
Identifiers: ClinVar variation 2042218 (VCV002042218.4), dbSNP rs2549918224, ClinGen allele CA398382067.